The following is an entry in ClinVar:

NM_032608.7(MYO18B):c.6814C>G (p.Leu2272Val)

Gene: MYO18B (myosin XVIIIB; plus strand). Cytogenetic location: 22q12.1.
Variant type: single nucleotide variant.
Coding change: c.6814C>G on transcript NM_032608.7 (MANE Select); coding-DNA position 6814, C replaced by G.
Protein change: p.Leu2272Val; replaces leucine 2272 with valine.
Molecular consequence: missense variant.
Genome position (GRCh38, 1-based): chr22:26,026,788, C>G. VCF-style: chr22-26026788-C-G. GRCh37 (hg19) VCF-style: chr22-26422754-C-G.
Other names: c.6817C>G, p.Leu2273Val (NM_001318245.2); c.6814C>G (NM_032608.5); short protein forms L2272V, L2273V.
Identifiers: ClinVar variation 1425241 (VCV001425241.6), dbSNP rs199922887, ClinGen allele CA10161618.

ClinVar aggregate classification (germline): Uncertain significance. Review status: criteria provided, multiple submitters, no conflicts (2 of 4 stars). 2 submissions from 2 submitters: Uncertain significance (2). Last evaluated 2026-01-19.

Conditions:
Inborn genetic diseases. Identifiers: MedGen C0950123, MeSH D030342.

Allele frequency attached by ClinVar (database versions not stated): TOPMed 0.00015; gnomAD 0.00017; gnomAD exomes 0.00019; ESP Exome Variant Server 0.00025; ExAC 0.00029.
gnomAD v4.1: 288 of 1,604,280 alleles (0.018%); highest among the groups gnomAD compares: Non-Finnish European, 0.024%; 1 homozygote.

Submissions (2):

Labcorp Genetics (formerly Invitae), Labcorp
Classification: Uncertain significance. Last evaluated: 2026-01-19. Review status: criteria provided, single submitter. Criteria: Invitae Variant Classification Sherloc (09022015). Collection method: clinical testing. Allele origin: germline.
Comment: This sequence change replaces leucine, which is neutral and non-polar, with valine, which is neutral and non-polar, at codon 2272 of the MYO18B protein (p.Leu2272Val). This variant is present in population databases (rs199922887, gnomAD 0.04%). This variant has not been reported in the literature in individuals affected with MYO18B-related conditions. ClinVar contains an entry for this variant (Variation ID: 1425241). An algorithm developed to predict the effect of missense changes on protein structure and function (PolyPhen-2) suggests that this variant is likely to be disruptive. In summary, the available evidence is currently insufficient to determine the role of this variant in disease. Therefore, it has been classified as a Variant of Uncertain Significance.

Ambry Genetics
Classification: Uncertain significance for Inborn genetic diseases. Last evaluated: 2024-08-27. Review status: criteria provided, single submitter. Criteria: Ambry Variant Classification Scheme 2023. Collection method: clinical testing. Allele origin: germline.